The following is an entry in ClinVar:

ClinVar aggregate classification (germline): Uncertain significance. Review status: criteria provided, multiple submitters, no conflicts (2 of 4 stars). 2 submissions from 2 submitters: Uncertain significance (2). Last evaluated 2024-05-23.

Conditions:
Inborn genetic diseases. Identifiers: MedGen C0950123, MeSH D030342.

gnomAD v4.1: 1 of 1,209,863 alleles (0.000083%); no homozygotes.

Submissions (2):

Ambry Genetics
Classification: Uncertain significance for Inborn genetic diseases. Last evaluated: 2024-05-23. Review status: criteria provided, single submitter. Criteria: Ambry Variant Classification Scheme 2023. Collection method: clinical testing. Allele origin: germline.

CeGaT Center for Human Genetics Tuebingen
Classification: Uncertain significance. Last evaluated: 2022-09-01. Review status: criteria provided, single submitter. Criteria: CeGaT Center For Human Genetics Tuebingen Variant Classification Criteria Version 2. Collection method: clinical testing. Allele origin: germline. Affected: yes. Observed: 1 variant allele.
Comment: FAM50A: PM2

NM_004699.4(FAM50A):c.304G>A (p.Glu102Lys)

Gene: FAM50A (family with sequence similarity 50 member A; plus strand). Cytogenetic location: Xq28.
Variant type: single nucleotide variant.
Coding change: c.304G>A on transcript NM_004699.4 (MANE Select); coding-DNA position 304, G replaced by A.
Protein change: p.Glu102Lys; replaces glutamic acid 102 with lysine.
Molecular consequence: missense variant.
Genome position (GRCh38, 1-based): chrX:154,446,422, G>A. VCF-style: chrX-154446422-G-A. GRCh37 (hg19) VCF-style: chrX-153674770-G-A.
Other names: c.304G>A (NM_004699.2); short protein forms E102K.
Identifiers: ClinVar variation 1879780 (VCV001879780.30), dbSNP rs2523040006, ClinGen allele CA415215347.